The following is an entry in ClinVar:

NC_000018.10:g.46477200C>A

Gene: LOXHD1 (lipoxygenase homology PLAT domains 1; minus strand). Cytogenetic location: 18q21.1.
Variant type: single nucleotide variant.
Molecular consequence: missense variant (on NM_001145472.3). On other transcripts: 3 prime UTR variant (2).
Genome position: GRCh38 VCF-style: chr18-46477200-C-A. GRCh37 (hg19) VCF-style: chr18-44057163-C-A.
Other names: c.3328G>T, p.Ala1110Ser (NM_001145472.3); c.*18G>T (NM_001173129.2, NM_001308013.2); short protein forms A1110S.
Identifiers: ClinVar variation 178982 (VCV000178982.5), dbSNP rs727504587, ClinGen allele CA183429.

ClinVar aggregate classification (germline): Uncertain significance (1 of 4 stars; one submission).

Allele frequency attached by ClinVar (database versions not stated): gnomAD exomes 0.00001 and below 0.00001; ExAC 0.00005.
gnomAD v4.1: 1 of 722,310 alleles (0.00014%); highest among the groups gnomAD compares: East Asian, 0.0027%; no homozygotes.

Submission:

Laboratory for Molecular Medicine, Mass General Brigham Personalized Medicine
Classification: Uncertain significance. Last evaluated: 2013-06-11. Review status: criteria provided, single submitter. Criteria: LMM Criteria. Collection method: clinical testing. Allele origin: germline. Observed: 1 variant allele.
Comment: Variant classified as Uncertain Significance - Favor Benign. The Ala1110Ser vari ant in LOXHD1 has not been reported in individuals with hearing loss or in large population studies. Computational analyses (biochemical amino acid properties, conservation, AlignGVGD, PolyPhen2, and SIFT) suggest that the Ala1110Ser varia nt may not impact the protein, though this information is not predictive enough to rule out pathogenicity. In summary, the clinical significance of this variant cannot be determined with certainty; however, based upon computational and cons ervation data, we lean towards a more likely benign role.